The following is an entry in ClinVar:

NM_020884.7(MYH7B):c.971A>G (p.Asp324Gly)

Gene: MYH7B (myosin heavy chain 7B; plus strand). Cytogenetic location: 20q11.22.
Variant type: single nucleotide variant.
Coding change: c.971A>G on transcript NM_020884.7 (MANE Select); coding-DNA position 971, A replaced by G.
Protein change: p.Asp324Gly; replaces aspartic acid 324 with glycine.
Molecular consequence: missense variant.
Genome position (GRCh38, 1-based): chr20:34,986,952, A>G. VCF-style: chr20-34986952-A-G. GRCh37 (hg19) VCF-style: chr20-33574755-A-G.
Other names: short protein forms D324G.
Identifiers: ClinVar variation 1942907 (VCV001942907.5), dbSNP rs755562579, ClinGen allele CA9826730.
Genomic context (GRCh38, chr20:34,986,952, plus strand): 5'-TGCTTCTGTCTATGAACCCCTATGACTACCACTTCTGCAGCCAGGGCGTCATCACCGTGG[A>G]CAACATGAATGATGGGGAGGAGCTCATCGCCACCGACGTATGAGCTCTGGTGGGAGGGGA-3'
Protein context (NP_065935.4, residues 314-334): HFCSQGVITV[Asp324Gly]NMNDGEELIA

ClinVar aggregate classification (germline): Uncertain significance (1 of 4 stars; one submission).

Allele frequency attached by ClinVar (database versions not stated): gnomAD exomes 0.00001; TOPMed 0.00001; ExAC 0.00002.
gnomAD v4.1: 4 of 1,614,072 alleles (0.00025%); highest among the groups gnomAD compares: Admixed American, 0.0067%; no homozygotes.

Submission:

Labcorp Genetics (formerly Invitae), Labcorp
Classification: Uncertain significance. Last evaluated: 2024-02-24. Review status: criteria provided, single submitter. Criteria: Invitae Variant Classification Sherloc (09022015). Collection method: clinical testing. Allele origin: germline.
Comment: This sequence change replaces aspartic acid, which is acidic and polar, with glycine, which is neutral and non-polar, at codon 366 of the MYH7B protein (p.Asp366Gly). This variant is present in population databases (rs755562579, gnomAD 0.01%). This variant has not been reported in the literature in individuals affected with MYH7B-related conditions. ClinVar contains an entry for this variant (Variation ID: 1942907). Advanced modeling of protein sequence and biophysical properties (such as structural, functional, and spatial information, amino acid conservation, physicochemical variation, residue mobility, and thermodynamic stability) performed at Invitae indicates that this missense variant is not expected to disrupt MYH7B protein function with a negative predictive value of 80%. In summary, the available evidence is currently insufficient to determine the role of this variant in disease. Therefore, it has been classified as a Variant of Uncertain Significance.